The following is an entry in ClinVar:

ClinVar aggregate classification (germline): Uncertain significance. Review status: criteria provided, multiple submitters, no conflicts (2 of 4 stars). 2 submissions from 2 submitters: Uncertain significance (2). Last evaluated 2025-08-05.

Conditions:
Inborn genetic diseases. Identifiers: MedGen C0950123, MeSH D030342.

Allele frequency attached by ClinVar (database versions not stated): gnomAD exomes 0.00001; ExAC 0.00002; gnomAD 0.00007; TOPMed 0.00007; ESP Exome Variant Server 0.00015; 1000 Genomes Project 30x 0.00047; 1000 Genomes Project 0.00060.
gnomAD v4.1: 18 of 1,614,030 alleles (0.0011%); highest among the groups gnomAD compares: African/African-American, 0.017%; no homozygotes.

Submissions (2):

Ambry Genetics
Classification: Uncertain significance for Inborn genetic diseases. Last evaluated: 2025-08-05. Review status: criteria provided, single submitter. Criteria: Ambry Variant Classification Scheme 2023. Collection method: clinical testing. Allele origin: germline.

Labcorp Genetics (formerly Invitae), Labcorp
Classification: Uncertain significance. Last evaluated: 2022-10-17. Review status: criteria provided, single submitter. Criteria: Invitae Variant Classification Sherloc (09022015). Collection method: clinical testing. Allele origin: germline.
Comment: This sequence change replaces lysine, which is basic and polar, with threonine, which is neutral and polar, at codon 1272 of the TRPM6 protein (p.Lys1272Thr). This variant is present in population databases (rs143650623, gnomAD 0.01%). This variant has not been reported in the literature in individuals affected with TRPM6-related conditions. Algorithms developed to predict the effect of missense changes on protein structure and function are either unavailable or do not agree on the potential impact of this missense change (SIFT: "Deleterious"; PolyPhen-2: "Benign"; Align-GVGD: "Class C0"). In summary, the available evidence is currently insufficient to determine the role of this variant in disease. Therefore, it has been classified as a Variant of Uncertain Significance.

NM_017662.5(TRPM6):c.3815A>C (p.Lys1272Thr)

Gene: TRPM6 (transient receptor potential cation channel subfamily M member 6; minus strand). Cytogenetic location: 9q21.13.
Variant type: single nucleotide variant.
Coding change: c.3815A>C on transcript NM_017662.5 (MANE Select); coding-DNA position 3815, A replaced by C.
Protein change: p.Lys1272Thr; replaces lysine 1272 with threonine.
Molecular consequence: missense variant.
Genome position (GRCh38, 1-based): chr9:74,762,856, T>G on the plus strand (A>C on the coding strand, the complement: TRPM6 is on the minus strand). VCF-style: chr9-74762856-T-G. GRCh37 (hg19) VCF-style: chr9-77377772-T-G.
Other names: c.3800A>C, p.Lys1267Thr (NM_001177310.2, NM_001177311.2); c.3815A>C (NM_017662.4); short protein forms K1272T, K1267T.
Identifiers: ClinVar variation 1980155 (VCV001980155.5), dbSNP rs143650623, ClinGen allele CA5084209.